The following is an entry in ClinVar:

ClinVar aggregate classification (germline): Uncertain significance (1 of 4 stars; one submission).

Conditions:
Hypertrophic cardiomyopathy. Also called: HYPERTROPHIC MYOCARDIOPATHY. Identifiers: Orphanet 217569, MedGen C0007194, MeSH D002312, MONDO:0005045, HP:0001639.

gnomAD v4.1: 2 of 1,614,158 alleles (0.00012%); highest among the groups gnomAD compares: South Asian, 0.0011%; no homozygotes.

Submission:

Labcorp Genetics (formerly Invitae), Labcorp
Classification: Uncertain significance for Hypertrophic cardiomyopathy. Last evaluated: 2025-04-17. Review status: criteria provided, single submitter. Criteria: Invitae Variant Classification Sherloc (09022015). Collection method: clinical testing. Allele origin: germline.
Comment: This sequence change replaces phenylalanine, which is neutral and non-polar, with leucine, which is neutral and non-polar, at codon 577 of the MYH7 protein (p.Phe577Leu). This variant is present in population databases (rs777672628, gnomAD 0.003%). This variant has not been reported in the literature in individuals affected with MYH7-related conditions. Invitae Evidence Modeling of protein sequence and biophysical properties (such as structural, functional, and spatial information, amino acid conservation, physicochemical variation, residue mobility, and thermodynamic stability) indicates that this missense variant is expected to disrupt MYH7 protein function with a positive predictive value of 95%. In summary, the available evidence is currently insufficient to determine the role of this variant in disease. Therefore, it has been classified as a Variant of Uncertain Significance.

NM_000257.4(MYH7):c.1729T>C (p.Phe577Leu)

Gene: MYH7 (myosin heavy chain 7; minus strand). Cytogenetic location: 14q11.2.
Variant type: single nucleotide variant.
Coding change: c.1729T>C on transcript NM_000257.4 (MANE Select); coding-DNA position 1729, T replaced by C.
Protein change: p.Phe577Leu; replaces phenylalanine 577 with leucine.
Molecular consequence: missense variant.
Genome position (GRCh38, 1-based): chr14:23,427,744, A>G on the plus strand (T>C on the coding strand, the complement: MYH7 is on the minus strand). VCF-style: chr14-23427744-A-G. GRCh37 (hg19) VCF-style: chr14-23896953-A-G.
Other names: c.1729T>C, p.Phe577Leu (NM_001407004.1); short protein forms F577L.
Identifiers: ClinVar variation 4803463 (VCV004803463.1).
Genomic context (GRCh38, chr14:23,427,744, plus strand): 5'-TCTTCTGCAGCCAGCCAATGATGTTGTAGTCCACGATGCCGGCATAGTGGATCAGGGAGA[A>G]GTGGGCTTCAGGCTTCCCCTTGATATTGCGTGGCTTCTGGAAGTTGGCGGATTTGCCCAG-3'
Protein context (NP_000248.2, residues 567-587): RNIKGKPEAH[Phe577Leu]SLIHYAGIVD